The following is an entry in ClinVar:

ClinVar aggregate classification (germline): Likely pathogenic (1 of 4 stars; one submission).

Submission:

Labcorp Genetics (formerly Invitae), Labcorp
Classification: Likely pathogenic. Last evaluated: 2022-01-14. Review status: criteria provided, single submitter. Criteria: Invitae Variant Classification Sherloc (09022015). Collection method: clinical testing. Allele origin: germline.
Comment: This sequence change replaces glycine, which is neutral and non-polar, with arginine, which is basic and polar, at codon 1417 of the COL11A2 protein (p.Gly1417Arg). This variant is not present in population databases (gnomAD no frequency). This missense change has been observed in individual(s) with autosomal dominant deafness (Invitae). It has also been observed to segregate with disease in related individuals. Advanced modeling of protein sequence and biophysical properties (such as structural, functional, and spatial information, amino acid conservation, physicochemical variation, residue mobility, and thermodynamic stability) performed at Invitae indicates that this missense variant is expected to disrupt COL11A2 protein function. In summary, the currently available evidence indicates that the variant is pathogenic, but additional data are needed to prove that conclusively. Therefore, this variant has been classified as Likely Pathogenic.

NM_080680.3(COL11A2):c.4249G>A (p.Gly1417Arg)

Gene: COL11A2 (collagen type XI alpha 2 chain; minus strand). Cytogenetic location: 6p21.32.
Variant type: single nucleotide variant.
Coding change: c.4249G>A on transcript NM_080680.3 (MANE Select); coding-DNA position 4249, G replaced by A.
Protein change: p.Gly1417Arg; replaces glycine 1417 with arginine.
Molecular consequence: missense variant.
Genome position (GRCh38, 1-based): chr6:33,166,809, C>T on the plus strand (G>A on the coding strand, the complement: COL11A2 is on the minus strand). VCF-style: chr6-33166809-C-T. GRCh37 (hg19) VCF-style: chr6-33134586-C-T.
Other names: c.3928G>A, p.Gly1310Arg (NM_080679.3); c.3991G>A, p.Gly1331Arg (NM_080681.3); short protein forms G1417R, G1310R, G1331R.
Identifiers: ClinVar variation 1348013 (VCV001348013.8), dbSNP rs2150522747, ClinGen allele CA363621413.